The following is an entry in ClinVar:

NM_004360.5(CDH1):c.1438G>A (p.Val480Met)

Gene: CDH1 (cadherin 1; plus strand). Cytogenetic location: 16q22.1.
Variant type: single nucleotide variant.
Coding change: c.1438G>A on transcript NM_004360.5 (MANE Select); coding-DNA position 1438, G replaced by A.
Protein change: p.Val480Met; replaces valine 480 with methionine.
Molecular consequence: missense variant. On other transcripts: 5 prime UTR variant (2).
Genome position (GRCh38, 1-based): chr16:68,815,632, G>A. VCF-style: chr16-68815632-G-A. GRCh37 (hg19) VCF-style: chr16-68849535-G-A.
Other names: c.1438G>A (LRG_301t1); c.1255G>A, p.Val419Met (NM_001317184.2); c.-111G>A (NM_001317185.2); c.-382G>A (NM_001317186.2); short protein forms V480M, V419M.
Identifiers: ClinVar variation 186076 (VCV000186076.20), dbSNP rs786202675, ClinGen allele CA193797.

ClinVar aggregate classification (germline): Uncertain significance. Review status: criteria provided, multiple submitters, no conflicts (2 of 4 stars). 6 submissions from 6 submitters: Uncertain significance (6). Last evaluated 2026-01-10.

Conditions:
Hereditary cancer-predisposing syndrome. Also called: Hereditary Cancer Syndrome; Neoplastic Syndromes, Hereditary; Tumor predisposition; Hereditary neoplastic syndrome. Identifiers: Orphanet 140162, MedGen C0027672, MeSH D009386, MONDO:0015356.
Hereditary diffuse gastric adenocarcinoma (HDGC). Also called: DIFFUSE GASTRIC AND LOBULAR BREAST CANCER SYNDROME. Identifiers: Orphanet 26106, MedGen C1708349, MONDO:0007648, OMIM 137215.
Familial cancer of breast. Also called: BREAST CANCER, FAMILIAL; Hereditary breast cancer; hereditary breast carcinoma. Identifiers: Orphanet 227535, MedGen C0346153, MONDO:0016419, OMIM 114480. Disease mechanism: loss of function.

Allele frequency attached by ClinVar (database versions not stated): gnomAD exomes below 0.00001; TOPMed below 0.00001.
gnomAD v4.1: 4 of 1,614,238 alleles (0.00025%); highest among the groups gnomAD compares: Non-Finnish European, 0.00034%; no homozygotes.

Submissions (6):

Labcorp Genetics (formerly Invitae), Labcorp
Classification: Uncertain significance for Hereditary diffuse gastric adenocarcinoma. Last evaluated: 2026-01-10. Review status: criteria provided, single submitter. Criteria: Invitae Variant Classification Sherloc (09022015). Collection method: clinical testing. Allele origin: germline.
Comment: This sequence change replaces valine, which is neutral and non-polar, with methionine, which is neutral and non-polar, at codon 480 of the CDH1 protein (p.Val480Met). This variant is not present in population databases (gnomAD no frequency). This variant has not been reported in the literature in individuals affected with CDH1-related conditions. ClinVar contains an entry for this variant (Variation ID: 186076). An algorithm developed to predict the effect of missense changes on protein structure and function (PolyPhen-2) suggests that this variant is likely to be tolerated. In summary, the available evidence is currently insufficient to determine the role of this variant in disease. Therefore, it has been classified as a Variant of Uncertain Significance.

Ambry Genetics
Classification: Uncertain significance for Hereditary cancer-predisposing syndrome. Last evaluated: 2024-07-24. Review status: criteria provided, single submitter. Criteria: Ambry Variant Classification Scheme 2023. Collection method: clinical testing. Allele origin: germline.
Comment: The p.V480M variant (also known as c.1438G>A), located in coding exon 10 of the CDH1 gene, results from a G to A substitution at nucleotide position 1438. The valine at codon 480 is replaced by methionine, an amino acid with highly similar properties. This amino acid position is well conserved in available vertebrate species. In addition, the in silico prediction for this alteration is inconclusive. Since supporting evidence is limited at this time, the clinical significance of this alteration remains unclear.

Baylor Genetics
Classification: Uncertain significance for Familial cancer of breast. Last evaluated: 2024-01-19. Review status: criteria provided, single submitter. Criteria: ACMG Guidelines, 2015. Collection method: clinical testing. Allele origin: unknown.

Color Diagnostics, LLC DBA Color Health
Classification: Uncertain significance for Hereditary cancer-predisposing syndrome. Last evaluated: 2023-12-05. Review status: criteria provided, single submitter. Criteria: ACMG Guidelines, 2015. Collection method: clinical testing. Allele origin: germline.
Comment: This missense variant replaces valine with methionine at codon 480 of the CDH1 protein. To our knowledge, functional studies have not been reported for this variant. This variant has not been reported in individuals affected with CDH1-related disorders in the literature. This variant has not been identified in the general population by the Genome Aggregation Database (gnomAD). The available evidence is insufficient to determine the role of this variant in disease conclusively. Therefore, this variant is classified as a Variant of Uncertain Significance.

GeneDx
Classification: Uncertain significance. Last evaluated: 2023-11-19. Review status: criteria provided, single submitter. Criteria: GeneDx Variant Classification Process June 2021. Collection method: clinical testing. Allele origin: germline. Affected: yes.
Comment: Not observed at significant frequency in large population cohorts (gnomAD); In silico analysis supports that this missense variant does not alter protein structure/function; Has not been previously published as pathogenic or benign to our knowledge; This variant is associated with the following publications: (PMID: 15235021, 22850631)

Quest Diagnostics Nichols Institute San Juan Capistrano
Classification: Uncertain significance. Last evaluated: 2018-10-15. Review status: criteria provided, single submitter. Criteria: Quest Diagnostics criteria. Collection method: clinical testing. Allele origin: germline.